The following is an entry in ClinVar:

NM_000179.3(MSH6):c.1467A>G (p.Pro489=)

Gene: MSH6 (mutS homolog 6; plus strand). Cytogenetic location: 2p16.3.
Variant type: single nucleotide variant.
Coding change: c.1467A>G on transcript NM_000179.3 (MANE Select); coding-DNA position 1467, A replaced by G.
Protein change: p.Pro489=; no amino-acid change (proline 489 retained).
Molecular consequence: synonymous variant.
Genome position (GRCh38, 1-based): chr2:47,799,450, A>G. VCF-style: chr2-47799450-A-G. GRCh37 (hg19) VCF-style: chr2-48026589-A-G.
Other names: c.1077A>G, p.Pro359= (NM_001281492.2); c.561A>G, p.Pro187= (NM_001281493.2, NM_001281494.2).
Identifiers: ClinVar variation 506335 (VCV000506335.14), dbSNP rs1288566407, ClinGen allele CA426121089.

ClinVar aggregate classification (germline): Benign/Likely benign. Review status: criteria provided, multiple submitters, no conflicts (2 of 4 stars). 6 submissions from 6 submitters: Benign (1); Likely benign (5). Last evaluated 2025-03-08.

Conditions:
Hereditary nonpolyposis colorectal neoplasms. Identifiers: MedGen C0009405, MeSH D003123.
Hereditary cancer-predisposing syndrome. Also called: Neoplastic Syndromes, Hereditary; Hereditary Cancer Syndrome; Tumor predisposition; Hereditary neoplastic syndrome. Identifiers: Orphanet 140162, MedGen C0027672, MeSH D009386, MONDO:0015356.
Lynch syndrome. Identifiers: Orphanet 144, MedGen C4552100, MONDO:0005835. Disease mechanism: loss of function.
Lynch syndrome 5 (LYNCH5). Also called: Colorectal cancer, hereditary nonpolyposis, type 5; Hereditary non-polyposis colorectal cancer, type 5. Identifiers: Orphanet 144, MedGen C1833477, MONDO:0013710, OMIM 614350. Disease mechanism: loss of function.

Allele frequency attached by ClinVar (database versions not stated): gnomAD exomes below 0.00001 and 0.00001.
gnomAD v4.1: 5 of 1,614,194 alleles (0.00031%); highest among the groups gnomAD compares: Non-Finnish European, 0.00034%; no homozygotes.

Submissions (6):

Ambry Genetics
Classification: Likely benign for Hereditary cancer-predisposing syndrome. Last evaluated: 2025-03-08. Review status: criteria provided, single submitter. Criteria: Ambry Variant Classification Scheme 2023. Collection method: clinical testing. Allele origin: germline.

Myriad Genetics, Inc.
Classification: Benign for Lynch syndrome 5. Last evaluated: 2024-12-26. Review status: criteria provided, single submitter. Criteria: Myriad Autosomal Dominant, Autosomal Recessive and X-Linked Classification Criteria (2023). Collection method: clinical testing. Allele origin: unknown.
Comment: This variant is considered benign. This variant is a silent/synonymous amino acid change and it is not expected to impact splicing.

All of Us Research Program, National Institutes of Health
Classification: Likely benign for Lynch syndrome. Last evaluated: 2024-07-29. Review status: criteria provided, single submitter. Criteria: ACMG Guidelines, 2015. Collection method: clinical testing. Allele origin: germline. Inheritance: Autosomal dominant inheritance. Observed: 3 variant alleles, 3 heterozygotes.
Comment: This study involves interpretation of variants in research participants for the purpose of population health screening. Participant phenotype was not available at the time of variant classification. Additional details can be found in publication PMID: 35346344, PMCID: PMC8962531

Color Diagnostics, LLC DBA Color Health
Classification: Likely benign for Hereditary cancer-predisposing syndrome. Last evaluated: 2023-02-01. Review status: criteria provided, single submitter. Criteria: ACMG Guidelines, 2015. Collection method: clinical testing. Allele origin: germline.

Labcorp Genetics (formerly Invitae), Labcorp
Classification: Likely benign for Hereditary nonpolyposis colorectal neoplasms. Last evaluated: 2022-02-28. Review status: criteria provided, single submitter. Criteria: Invitae Variant Classification Sherloc (09022015). Collection method: clinical testing. Allele origin: germline.

GeneDx
Classification: Likely benign. Last evaluated: 2017-05-26. Review status: criteria provided, single submitter. Criteria: GeneDx Variant Classification (06012015). Collection method: clinical testing. Allele origin: germline. Affected: yes.
Comment: This variant is considered likely benign or benign based on one or more of the following criteria: it is a conservative change, it occurs at a poorly conserved position in the protein, it is predicted to be benign by multiple in silico algorithms, and/or has population frequency not consistent with disease.